The following is an entry in ClinVar:

ClinVar aggregate classification (germline): Uncertain significance (1 of 4 stars; one submission).

Allele frequency attached by ClinVar (database versions not stated): gnomAD exomes below 0.00001; gnomAD 0.00001; TOPMed 0.00001.
gnomAD v4.1: 4 of 1,614,100 alleles (0.00025%); highest among the groups gnomAD compares: Non-Finnish European, 0.00034%; no homozygotes.

Submission:

Labcorp Genetics (formerly Invitae), Labcorp
Classification: Uncertain significance. Last evaluated: 2022-07-29. Review status: criteria provided, single submitter. Criteria: Invitae Variant Classification Sherloc (09022015). Collection method: clinical testing. Allele origin: germline.
Comment: This sequence change replaces glycine, which is neutral and non-polar, with glutamic acid, which is acidic and polar, at codon 2164 of the GPR179 protein (p.Gly2164Glu). This variant is present in population databases (no rsID available, gnomAD 0.01%). This variant has not been reported in the literature in individuals affected with GPR179-related conditions. Algorithms developed to predict the effect of missense changes on protein structure and function output the following: SIFT: "Tolerated"; PolyPhen-2: "Benign"; Align-GVGD: "Class C0". The glutamic acid amino acid residue is found in multiple mammalian species, which suggests that this missense change does not adversely affect protein function. In summary, the available evidence is currently insufficient to determine the role of this variant in disease. Therefore, it has been classified as a Variant of Uncertain Significance.

NM_001004334.4(GPR179):c.6491G>A (p.Gly2164Glu)

Gene: GPR179 (G protein-coupled receptor 179; minus strand). Cytogenetic location: 17q12.
Variant type: single nucleotide variant.
Coding change: c.6491G>A on transcript NM_001004334.4 (MANE Select); coding-DNA position 6491, G replaced by A.
Protein change: p.Gly2164Glu; replaces glycine 2164 with glutamic acid.
Molecular consequence: missense variant.
Genome position (GRCh38, 1-based): chr17:38,327,078, C>T on the plus strand (G>A on the coding strand, the complement: GPR179 is on the minus strand). VCF-style: chr17-38327078-C-T. GRCh37 (hg19) VCF-style: chr17-36482961-C-T.
Other names: short protein forms G2164E.
Identifiers: ClinVar variation 1901697 (VCV001901697.3), dbSNP rs1249735936, ClinGen allele CA398869319.